The following is an entry in ClinVar:

NM_000350.3(ABCA4):c.3293G>A (p.Arg1098His)

Gene: ABCA4 (ATP binding cassette subfamily A member 4; minus strand). Cytogenetic location: 1p22.1.
Variant type: single nucleotide variant.
Coding change: c.3293G>A on transcript NM_000350.3 (MANE Select); coding-DNA position 3293, G replaced by A.
Protein change: p.Arg1098His; replaces arginine 1098 with histidine.
Molecular consequence: missense variant.
Genome position (GRCh38, 1-based): chr1:94,042,796, C>T on the plus strand (G>A on the coding strand, the complement: ABCA4 is on the minus strand). VCF-style: chr1-94042796-C-T. GRCh37 (hg19) VCF-style: chr1-94508352-C-T.
Other names: c.3071G>A, p.Arg1024His (NM_001425324.1); short protein forms R1098H, R1024H.
Identifiers: ClinVar variation 1487349 (VCV001487349.8), dbSNP rs891533398, ClinGen allele CA26865486.

ClinVar aggregate classification (germline): Conflicting classifications of pathogenicity. Review status: criteria provided, conflicting classifications (1 of 4 stars). 2 submissions from 2 submitters: Likely pathogenic (1); Uncertain significance (1). Last evaluated 2025-09-07.

Allele frequency attached by ClinVar (database versions not stated): gnomAD 0.00001; gnomAD exomes 0.00001; TOPMed 0.00002.
gnomAD v4.1: 13 of 1,614,070 alleles (0.00081%); highest among the groups gnomAD compares: Admixed American, 0.0017%; no homozygotes.

Submissions (2):

Labcorp Genetics (formerly Invitae), Labcorp
Classification: Likely pathogenic. Last evaluated: 2025-09-07. Review status: criteria provided, single submitter. Criteria: Invitae Variant Classification Sherloc (09022015). Collection method: clinical testing. Allele origin: germline.
Comment: This sequence change replaces arginine, which is basic and polar, with histidine, which is basic and polar, at codon 1098 of the ABCA4 protein (p.Arg1098His). This variant is not present in population databases (gnomAD no frequency). This variant has not been reported in the literature in individuals affected with ABCA4-related conditions. ClinVar contains an entry for this variant (Variation ID: 1487349). Invitae Evidence Modeling of protein sequence and biophysical properties (such as structural, functional, and spatial information, amino acid conservation, physicochemical variation, residue mobility, and thermodynamic stability) indicates that this missense variant is expected to disrupt ABCA4 protein function with a positive predictive value of 95%. This variant disrupts the p.Arg1098 amino acid residue in ABCA4. Other variant(s) that disrupt this residue have been determined to be pathogenic (PMID: 19074458, 23096905, 28559085, 29925512). This suggests that this residue is clinically significant, and that variants that disrupt this residue are likely to be disease-causing. In summary, the currently available evidence indicates that the variant is pathogenic, but additional data are needed to prove that conclusively. Therefore, this variant has been classified as Likely Pathogenic.

Women's Health and Genetics/Laboratory Corporation of America, LabCorp
Classification: Uncertain significance. Last evaluated: 2025-07-15. Review status: criteria provided, single submitter. Criteria: LabCorp Variant Classification Summary - May 2015. Collection method: clinical testing. Allele origin: germline.
Comment: Variant summary: ABCA4 c.3293G>A (p.Arg1098His) results in a non-conservative amino acid change located in the ABC transporter-like, ATP-binding domain (IPR003439) of the encoded protein sequence. Algorithms developed to predict the effect of missense changes on protein structure and function all suggest that this variant is likely to be disruptive. The variant was absent in 251436 control chromosomes. The available data on variant occurrences in the general population are insufficient to allow any conclusion about variant significance. To our knowledge, no occurrence of c.3293G>A in individuals affected with Retinitis Pigmentosa and no experimental evidence demonstrating its impact on protein function have been reported. ClinVar contains an entry for this variant (Variation ID: 1487349). Based on the evidence outlined above, the variant was classified as uncertain significance.

Literature cited by the submitters: PubMed 19074458 (cited by Labcorp Genetics (formerly Invitae), Labcorp); PubMed 23096905 (cited by Labcorp Genetics (formerly Invitae), Labcorp); PubMed 28559085 (cited by Labcorp Genetics (formerly Invitae), Labcorp); PubMed 29925512 (cited by Labcorp Genetics (formerly Invitae), Labcorp).